The following is an entry in ClinVar:

NM_022042.4(SLC26A1):c.316TTC[1] (p.Phe107del)

Genes: SLC26A1 (solute carrier family 26 member 1; minus strand), IDUA (alpha-L-iduronidase; plus strand). Cytogenetic location: 4p16.3.
Variant type: Microsatellite.
Coding change: c.316TTC[1] on transcript NM_022042.4 (MANE Select); one copy of the 3-base unit TTC starting at c.316; the reference has two copies in a row; one copy, 3 bases deleted.
Protein change: p.Phe107del; deletes phenylalanine 107.
Molecular consequence: inframe deletion. On other transcripts: intron variant (1).
Genome position (GRCh38, 1-based): chr4:991,383-991,385, GAA deleted on the plus strand (TTC on the coding strand, the reverse complement: SLC26A1 is on the minus strand); deleting any 3 consecutive bases within chr4:991,383-991,389 gives the same sequence; the position shown is the placement nearest the transcript's 3' end. VCF-style (leftmost placement, unchanged base first): chr4-991382-CGAA-C. GRCh37 (hg19) VCF-style: chr4-985170-CGAA-C.
Other names: c.319_321del (NM_213613.4); c.316TTC[1], p.Phe107del (NM_134425.4, NM_213613.4); c.299+3438_299+3440del (NM_000203.5); short protein forms F107del.
Identifiers: ClinVar variation 1362708 (VCV001362708.9), dbSNP rs750081799, ClinGen allele CA2801706.

ClinVar aggregate classification (germline): Uncertain significance. Review status: criteria provided, multiple submitters, no conflicts (2 of 4 stars). 2 submissions from 2 submitters: Uncertain significance (2). Last evaluated 2022-03-11.

Conditions:
Nephrolithiasis, calcium oxalate. Also called: Calcium oxalate urolithiasis. Identifiers: MedGen C1833683, MONDO:0957318, HP:0008672.

Submissions (2):

Fulgent Genetics
Classification: Uncertain significance for Nephrolithiasis susceptibility caused by SLC26A1. Last evaluated: 2022-03-11. Review status: criteria provided, single submitter. Criteria: ACMG Guidelines, 2015. Collection method: clinical testing. Allele origin: unknown.

Labcorp Genetics (formerly Invitae), Labcorp
Classification: Uncertain significance. Last evaluated: 2021-06-20. Review status: criteria provided, single submitter. Criteria: Invitae Variant Classification Sherloc (09022015). Collection method: clinical testing. Allele origin: germline.
Comment: Experimental studies and prediction algorithms are not available or were not evaluated, and the functional significance of this variant is currently unknown. In summary, the available evidence is currently insufficient to determine the role of this variant in disease. Therefore, it has been classified as a Variant of Uncertain Significance. This variant has not been reported in the literature in individuals with SLC26A1-related conditions. This variant is present in population databases (rs750081799, ExAC 0.02%). This variant, c.319_321del, results in the deletion of 1 amino acid(s) of the SLC26A1 protein (p.Phe107del), but otherwise preserves the integrity of the reading frame.